The following is an entry in ClinVar:

NM_001080476.3(GRXCR1):c.551A>T (p.Glu184Val)

Gene: GRXCR1 (glutaredoxin and cysteine rich domain containing 1; plus strand). Cytogenetic location: 4p13.
Variant type: single nucleotide variant.
Coding change: c.551A>T on transcript NM_001080476.3 (MANE Select); coding-DNA position 551, A replaced by T.
Protein change: p.Glu184Val; replaces glutamic acid 184 with valine.
Molecular consequence: missense variant.
Genome position (GRCh38, 1-based): chr4:42,963,058, A>T. VCF-style: chr4-42963058-A-T. GRCh37 (hg19) VCF-style: chr4-42965075-A-T.
Other names: short protein forms E184V.
Identifiers: ClinVar variation 348821 (VCV000348821.7), dbSNP rs886059417, ClinGen allele CA10621111.
Genomic context (GRCh38, chr4:42,963,058, plus strand): 5'-AAAACCATCGCGTAAAATTTGAAGAGAAAAACATAGCCCTGAATGGTGAATATGGAAAAG[A>T]GTTAGACGAACGATGCCGACGAGTTTCTGAAGCTCCTTCCCTCCCTGTTGTGTTCATTGA-3'
Protein context (NP_001073945.1, residues 174-194): NIALNGEYGK[Glu184Val]LDERCRRVSE

ClinVar aggregate classification (germline): Uncertain significance. Review status: criteria provided, multiple submitters, no conflicts (2 of 4 stars). 3 submissions from 3 submitters: Uncertain significance (3). Last evaluated 2025-06-22.

Conditions:
Inborn genetic diseases. Identifiers: MedGen C0950123, MeSH D030342.
Autosomal recessive nonsyndromic hearing loss 25. Identifiers: Orphanet 90636, MedGen C1414017, MONDO:0013210, OMIM 613285.

Allele frequency attached by ClinVar (database versions not stated): TOPMed below 0.00001; gnomAD exomes 0.00001; gnomAD 0.00003.
gnomAD v4.1: 10 of 1,612,894 alleles (0.00062%); highest among the groups gnomAD compares: Non-Finnish European, 0.00085%; no homozygotes.

Submissions (3):

Ambry Genetics
Classification: Uncertain significance for Inborn genetic diseases. Last evaluated: 2025-06-22. Review status: criteria provided, single submitter. Criteria: Ambry Variant Classification Scheme 2023. Collection method: clinical testing. Allele origin: germline.

GeneDx
Classification: Uncertain significance. Last evaluated: 2022-09-06. Review status: criteria provided, single submitter. Criteria: GeneDx Variant Classification Process June 2021. Collection method: clinical testing. Allele origin: germline. Affected: yes.
Comment: Not observed at significant frequency in large population cohorts (gnomAD); In silico analysis supports that this missense variant has a deleterious effect on protein structure/function; Has not been previously published as pathogenic or benign to our knowledge

Illumina Laboratory Services, Illumina
Classification: Uncertain significance for Autosomal recessive nonsyndromic hearing loss 25. Last evaluated: 2018-01-12. Review status: criteria provided, single submitter. Criteria: ICSL Variant Classification Criteria 13 December 2019. Collection method: clinical testing. Allele origin: germline.